The following is an entry in ClinVar:

NM_001103.4(ACTN2):c.2342G>T (p.Cys781Phe)

Gene: ACTN2 (actinin alpha 2; plus strand). Cytogenetic location: 1q43.
Variant type: single nucleotide variant.
Coding change: c.2342G>T on transcript NM_001103.4 (MANE Select); coding-DNA position 2342, G replaced by T.
Protein change: p.Cys781Phe; replaces cysteine 781 with phenylalanine.
Molecular consequence: missense variant. On other transcripts: non-coding transcript variant (1).
Genome position (GRCh38, 1-based): chr1:236,759,764, G>T. VCF-style: chr1-236759764-G-T. GRCh37 (hg19) VCF-style: chr1-236923064-G-T.
Other names: c.2342G>T, p.Cys781Phe (NM_001278343.2); short protein forms C781F.
Identifiers: ClinVar variation 3826403 (VCV003826403.3).
Genomic context (GRCh38, chr1:236,759,764, plus strand): 5'-TCCTTTGTTTTTGCCAACAGAGGAAGAATGGCCTGATGGATCATGAGGATTTCAGAGCCT[G>T]CCTGATTTCCATGGGTTATGACCTGGTAAGACAGAAGTTGAAATTGTACTAAGATTTGAT-3'
Protein context (NP_001094.1, residues 771-791): GLMDHEDFRA[Cys781Phe]LISMGYDLGE

ClinVar aggregate classification (germline): Uncertain significance. Review status: criteria provided, multiple submitters, no conflicts (2 of 4 stars). 2 submissions from 2 submitters: Uncertain significance (2). Last evaluated 2025-11-18.

Conditions:
Dilated cardiomyopathy 1AA (CMD1AA). Also called: CARDIOMYOPATHY, DILATED, 1AA, WITH OR WITHOUT LEFT VENTRICULAR NONCOMPACTION; CARDIOMYOPATHY, FAMILIAL HYPERTROPHIC, 23, WITH OR WITHOUT LEFT VENTRICULAR NONCOMPACTION; Cardiomyopathy, dilated, 1AA, with or without LVNC. Identifiers: Orphanet 154, MedGen C2677338, MONDO:0012808, OMIM 612158.
Primary familial hypertrophic cardiomyopathy (HCM). Identifiers: Orphanet 99739, MedGen C0949658, MeSH D024741, MONDO:0024573. Inheritance: Various modes of inheritance.
Cardiovascular phenotype. Identifiers: MedGen CN230736.

gnomAD v4.1: 1 of 1,614,112 alleles (0.000062%); no homozygotes.

Submissions (2):

Labcorp Genetics (formerly Invitae), Labcorp
Classification: Uncertain significance for Primary familial hypertrophic cardiomyopathy; Dilated cardiomyopathy 1AA. Last evaluated: 2025-11-18. Review status: criteria provided, single submitter. Criteria: Invitae Variant Classification Sherloc (09022015). Collection method: clinical testing. Allele origin: germline.
Comment: This sequence change replaces cysteine, which is neutral and slightly polar, with phenylalanine, which is neutral and non-polar, at codon 781 of the ACTN2 protein (p.Cys781Phe). This variant is not present in population databases (gnomAD no frequency). This variant has not been reported in the literature in individuals affected with ACTN2-related conditions. ClinVar contains an entry for this variant (Variation ID: 3826403). Invitae Evidence Modeling of protein sequence and biophysical properties (such as structural, functional, and spatial information, amino acid conservation, physicochemical variation, residue mobility, and thermodynamic stability) indicates that this missense variant is expected to disrupt ACTN2 protein function with a positive predictive value of 95%. In summary, the available evidence is currently insufficient to determine the role of this variant in disease. Therefore, it has been classified as a Variant of Uncertain Significance.

Ambry Genetics
Classification: Uncertain significance for Cardiovascular phenotype. Last evaluated: 2025-08-25. Review status: criteria provided, single submitter. Criteria: Ambry Variant Classification Scheme 2023. Collection method: clinical testing. Allele origin: germline.